The following is an entry in ClinVar:

ClinVar aggregate classification (germline): Conflicting classifications of pathogenicity. Review status: criteria provided, conflicting classifications (1 of 4 stars). 2 submissions from 2 submitters: Likely pathogenic (1); Uncertain significance (1). Last evaluated 2025-12-08.

Conditions:
Juvenile retinoschisis (RS1). Also called: X-linked retinoschisis; X-Linked Juvenile Retinoschisis. Identifiers: Orphanet 792, MedGen C3714753, MONDO:0010725, OMIM 312700.

Allele frequency attached by ClinVar (database versions not stated): gnomAD exomes 0.00001.
gnomAD v4.1: 7 of 1,211,339 alleles (0.00058%); highest among the groups gnomAD compares: South Asian, 0.0053%; no homozygotes.

Submissions (2):

Myriad Genetics, Inc.
Classification: Uncertain significance for Juvenile retinoschisis. Last evaluated: 2025-12-08. Review status: criteria provided, single submitter. Criteria: Myriad Autosomal Dominant, Autosomal Recessive and X-Linked Classification Criteria (2023). Collection method: clinical testing. Allele origin: unknown.
Comment: NM_000330.3(RS1):c.545G>A(R182H) is a missense variant classified as a variant of uncertain significance in the context of X-linked juvenile retinoschisis. R182H has not been observed in cases with relevant disease. Relevant functional assessments of this variant are not available in the literature. R182H has not been observed in referenced population frequency databases. In summary, there is insufficient evidence to classify NM_000330.3(RS1):c.545G>A(R182H) as pathogenic or benign. Please note: this variant was assessed in the context of healthy population screening.

Labcorp Genetics (formerly Invitae), Labcorp
Classification: Likely pathogenic. Last evaluated: 2023-08-21. Review status: criteria provided, single submitter. Criteria: Invitae Variant Classification Sherloc (09022015). Collection method: clinical testing. Allele origin: germline.
Comment: This variant has not been reported in the literature in individuals affected with RS1-related conditions. Advanced modeling of protein sequence and biophysical properties (such as structural, functional, and spatial information, amino acid conservation, physicochemical variation, residue mobility, and thermodynamic stability) performed at Invitae indicates that this missense variant is expected to disrupt RS1 protein function. This variant disrupts the p.Arg182 amino acid residue in RS1. Other variant(s) that disrupt this residue have been determined to be pathogenic (PMID: 6361673, 9618178, 30652005). This suggests that this residue is clinically significant, and that variants that disrupt this residue are likely to be disease-causing. In summary, the currently available evidence indicates that the variant is pathogenic, but additional data are needed to prove that conclusively. Therefore, this variant has been classified as Likely Pathogenic. This variant is not present in population databases (gnomAD no frequency). This sequence change replaces arginine, which is basic and polar, with histidine, which is basic and polar, at codon 182 of the RS1 protein (p.Arg182His).

Literature cited by the submitters: PubMed 6361673 (cited by Labcorp Genetics (formerly Invitae), Labcorp); PubMed 9618178 (cited by Labcorp Genetics (formerly Invitae), Labcorp); PubMed 30652005 (cited by Labcorp Genetics (formerly Invitae), Labcorp).

NM_000330.4(RS1):c.545G>A (p.Arg182His)

Genes: CDKL5 (cyclin dependent kinase like 5; plus strand), RS1 (retinoschisin 1; minus strand). Cytogenetic location: Xp22.13.
Variant type: single nucleotide variant.
Coding change: c.545G>A on transcript NM_000330.4 (MANE Select); coding-DNA position 545, G replaced by A.
Protein change: p.Arg182His; replaces arginine 182 with histidine.
Molecular consequence: missense variant. On other transcripts: intron variant (2).
Genome position (GRCh38, 1-based): chrX:18,642,134, C>T on the plus strand (G>A on the coding strand, the complement: RS1 is on the minus strand). VCF-style: chrX-18642134-C-T. GRCh37 (hg19) VCF-style: chrX-18660254-C-T.
Other names: c.2714-3873C>T (NM_003159.3, NM_001037343.2); short protein forms R182H.
Identifiers: ClinVar variation 2740373 (VCV002740373.4), dbSNP rs2518916683, ClinGen allele CA412370535.
Genomic context (GRCh38, chrX:18,642,134, plus strand): 5'-ATGAGGCGGATGAAGCGGGAGATGATGGGGGGCCGCAGCAGGTTCTGAACCGTGGAGGTG[C>T]GGTCCGAGTTGCCATAGAAGACCTAGAGAGATAGAGGAAATCCTGTCACCATCACATCGG-3'
Protein context (NP_000321.1, residues 172-192): NNRVFYGNSD[Arg182His]TSTVQNLLRP